The following is an entry in ClinVar:

ClinVar aggregate classification (germline): Likely pathogenic (1 of 4 stars; one submission).

Conditions:
Dilated cardiomyopathy 1DD (CMD1DD). Identifiers: Orphanet 154, MedGen C2750995, MONDO:0013168, OMIM 613172.

Allele frequency attached by ClinVar (database versions not stated): gnomAD exomes below 0.00001.

Submission:

Labcorp Genetics (formerly Invitae), Labcorp
Classification: Likely pathogenic for Dilated cardiomyopathy 1DD. Last evaluated: 2025-11-21. Review status: criteria provided, single submitter. Criteria: Invitae Variant Classification Sherloc (09022015). Collection method: clinical testing. Allele origin: germline.
Comment: This sequence change affects an acceptor splice site in intron 12 of the RBM20 gene. It is expected to disrupt RNA splicing. Variants that disrupt the donor or acceptor splice site typically lead to a loss of protein function (PMID: 16199547), and loss-of-function variants in RBM20 are known to be pathogenic (PMID: 20590677, 22004663, 38288598, 38510713, 40339755). This variant is not present in population databases (gnomAD no frequency). This variant has not been reported in the literature in individuals affected with RBM20-related conditions. ClinVar contains an entry for this variant (Variation ID: 965341). Algorithms developed to predict the effect of sequence changes on RNA splicing suggest that this variant may disrupt the consensus splice site. In summary, the currently available evidence indicates that the variant is pathogenic, but additional data are needed to prove that conclusively. Therefore, this variant has been classified as Likely Pathogenic.

Literature cited by the submitters: PubMed 16199547; PubMed 20590677; PubMed 22004663; PubMed 38288598; PubMed 38510713; PubMed 40339755.

NM_001134363.3(RBM20):c.3452-2del

Gene: RBM20 (RNA binding motif protein 20; plus strand). Cytogenetic location: 10q25.2.
Variant type: Deletion.
Coding change: c.3452-2del on transcript NM_001134363.3 (MANE Select); the canonical splice acceptor site of the intron before coding-DNA position 3452, one base deleted (A; older notation c.3452-2delA).
Molecular consequence: splice acceptor variant.
Genome position (GRCh38, 1-based): chr10:110,831,059, A deleted. VCF-style (leftmost placement, unchanged base first): chr10-110831058-CA-C. GRCh37 (hg19) VCF-style: chr10-112590816-CA-C.
Identifiers: ClinVar variation 965341 (VCV000965341.8), dbSNP rs1845044801, ClinGen allele CA1139661690.
Genomic context (GRCh38, chr10:110,831,058, plus strand): 5'-GACACAGGGGCCTGCCTCCCATGCCATCCTAACCCTGCGTGTCTATCCCCCATCCTTTCC[CA>C]GGGGTGGAGTTCGTGGTTCCCAGGACTGGCTTTTATTGCAAGCTGTGTGGGCTGTTCTAC-3'